The following is an entry in ClinVar:

ClinVar aggregate classification (germline): Uncertain significance. Review status: criteria provided, multiple submitters, no conflicts (2 of 4 stars). 2 submissions from 2 submitters: Uncertain significance (2). Last evaluated 2023-11-06.

Conditions:
Colorectal cancer, hereditary nonpolyposis, type 7. Identifiers: Orphanet 144, MedGen C1858380, MONDO:0013725, OMIM 614385.

Allele frequency attached by ClinVar (database versions not stated): gnomAD exomes below 0.00001.

Submissions (2):

Ambry Genetics
Classification: Uncertain significance. Last evaluated: 2023-11-06. Review status: criteria provided, single submitter. Criteria: Ambry Variant Classification Scheme 2023. Collection method: clinical testing. Allele origin: germline.
Comment: The p.S878C variant (also known as c.2633C>G), located in coding exon 1 of the MLH3 gene, results from a C to G substitution at nucleotide position 2633. The serine at codon 878 is replaced by cysteine, an amino acid with dissimilar properties. This amino acid position is conserved. In addition, the in silico prediction for this alteration is inconclusive. Since supporting evidence is limited at this time, the clinical significance of this alteration remains unclear.

Labcorp Genetics (formerly Invitae), Labcorp
Classification: Uncertain significance for Colorectal cancer, hereditary nonpolyposis, type 7. Last evaluated: 2022-10-13. Review status: criteria provided, single submitter. Criteria: Invitae Variant Classification Sherloc (09022015). Collection method: clinical testing. Allele origin: germline.
Comment: This variant is present in population databases (no rsID available, gnomAD no frequency). In summary, the available evidence is currently insufficient to determine the role of this variant in disease. Therefore, it has been classified as a Variant of Uncertain Significance. Algorithms developed to predict the effect of missense changes on protein structure and function (SIFT, PolyPhen-2, Align-GVGD) all suggest that this variant is likely to be tolerated. This variant has not been reported in the literature in individuals affected with MLH3-related conditions. This sequence change replaces serine, which is neutral and polar, with cysteine, which is neutral and slightly polar, at codon 878 of the MLH3 protein (p.Ser878Cys).

NM_001040108.2(MLH3):c.2633C>G (p.Ser878Cys)

Gene: MLH3 (mutL homolog 3; minus strand). Cytogenetic location: 14q24.3.
Variant type: single nucleotide variant.
Coding change: c.2633C>G on transcript NM_001040108.2 (MANE Select); coding-DNA position 2633, C replaced by G.
Protein change: p.Ser878Cys; replaces serine 878 with cysteine.
Molecular consequence: missense variant.
Genome position (GRCh38, 1-based): chr14:75,047,023, G>C on the plus strand (C>G on the coding strand, the complement: MLH3 is on the minus strand). VCF-style: chr14-75047023-G-C. GRCh37 (hg19) VCF-style: chr14-75513726-G-C.
Other names: c.2633C>G, p.Ser878Cys (NM_014381.3); short protein forms S878C.
Identifiers: ClinVar variation 1794085 (VCV001794085.7), dbSNP rs1170469656, ClinGen allele CA390439332.
Genomic context (GRCh38, chr14:75,047,023, plus strand): 5'-TCATTAAAACGACTCATCATCCCCATTGTTTGAGTTTCTCTTTCGGAACCCTTCAGTCTG[G>C]ATAATTTAGAGGCTAGTGATTCAGATGACTTCTCAAGGTCCAAAGGTTTTCTATTAAAGA-3'
Protein context (NP_001035197.1, residues 868-888): KSSESLASKL[Ser878Cys]RLKGSERETQ